The following is an entry in ClinVar:

NM_001378454.1(ALMS1):c.1882C>T (p.Pro628Ser)

Gene: ALMS1 (ALMS1 centrosome and basal body associated protein; plus strand). Cytogenetic location: 2p13.1.
Variant type: single nucleotide variant.
Coding change: c.1882C>T on transcript NM_001378454.1 (MANE Select); coding-DNA position 1882, C replaced by T.
Protein change: p.Pro628Ser; replaces proline 628 with serine.
Molecular consequence: missense variant.
Genome position (GRCh38, 1-based): chr2:73,448,409, C>T. VCF-style: chr2-73448409-C-T. GRCh37 (hg19) VCF-style: chr2-73675536-C-T.
Other names: c.1885C>T, p.Pro629Ser (NM_015120.4); short protein forms P628S, P629S.
Identifiers: ClinVar variation 1781967 (VCV001781967.4), dbSNP rs2466092650, ClinGen allele CA347265687.

ClinVar aggregate classification (germline): Uncertain significance. Review status: criteria provided, multiple submitters, no conflicts (2 of 4 stars). 2 submissions from 2 submitters: Uncertain significance (2). Last evaluated 2025-11-04.

Conditions:
Cardiovascular phenotype. Identifiers: MedGen CN230736.
Alstrom syndrome (ALMS). Identifiers: Orphanet 64, MedGen C0268425, MONDO:0008763, OMIM 203800.

Allele frequency attached by ClinVar (database versions not stated): gnomAD exomes below 0.00001.
gnomAD v4.1: 4 of 1,614,008 alleles (0.00025%); highest among the groups gnomAD compares: Non-Finnish European, 0.00034%; no homozygotes.

Submissions (2):

Labcorp Genetics (formerly Invitae), Labcorp
Classification: Uncertain significance for Alstrom syndrome. Last evaluated: 2025-11-04. Review status: criteria provided, single submitter. Criteria: Invitae Variant Classification Sherloc (09022015). Collection method: clinical testing. Allele origin: germline.
Comment: This sequence change replaces proline, which is neutral and non-polar, with serine, which is neutral and polar, at codon 629 of the ALMS1 protein (p.Pro629Ser). This variant is not present in population databases (gnomAD no frequency). This variant has not been reported in the literature in individuals affected with ALMS1-related conditions. ClinVar contains an entry for this variant (Variation ID: 1781967). Experimental studies and prediction algorithms are not available or were not evaluated, and the functional significance of this variant is currently unknown. In summary, the available evidence is currently insufficient to determine the role of this variant in disease. Therefore, it has been classified as a Variant of Uncertain Significance.

Ambry Genetics
Classification: Uncertain significance for Cardiovascular phenotype. Last evaluated: 2019-09-20. Review status: criteria provided, single submitter. Criteria: Ambry Variant Classification Scheme 2023. Collection method: clinical testing. Allele origin: germline.
Comment: The p.P629S variant (also known as c.1885C>T), located in coding exon 8 of the ALMS1 gene, results from a C to T substitution at nucleotide position 1885. The proline at codon 629 is replaced by serine, an amino acid with similar properties. This amino acid position is not well conserved in available vertebrate species. In addition, this alteration is predicted to be tolerated by in silico analysis. Since supporting evidence is limited at this time, the clinical significance of this alteration remains unclear.